The following is an entry in ClinVar:

ClinVar aggregate classification (germline): Uncertain significance (1 of 4 stars; one submission).

Conditions:
Amelocerebrohypohidrotic syndrome (KTZS). Also called: Kohlschutter's syndrome; KOHLSCHUTTER SYNDROME; EPILEPSY AND YELLOW TEETH; EPILEPSY, DEMENTIA, AND AMELOGENESIS IMPERFECTA. Identifiers: Orphanet 1946, MedGen C0406740, MONDO:0009185, OMIM 226750.

Allele frequency attached by ClinVar (database versions not stated): TOPMed 0.00001.
gnomAD v4.1: 18 of 1,613,900 alleles (0.0011%); highest among the groups gnomAD compares: African/African-American, 0.004%; no homozygotes.

Submission:

Labcorp Genetics (formerly Invitae), Labcorp
Classification: Uncertain significance for Amelocerebrohypohidrotic syndrome. Last evaluated: 2022-06-09. Review status: criteria provided, single submitter. Criteria: Invitae Variant Classification Sherloc (09022015). Collection method: clinical testing. Allele origin: germline.
Comment: This sequence change replaces leucine, which is neutral and non-polar, with phenylalanine, which is neutral and non-polar, at codon 199 of the ROGDI protein (p.Leu199Phe). This variant is not present in population databases (gnomAD no frequency). This variant has not been reported in the literature in individuals affected with ROGDI-related conditions. Algorithms developed to predict the effect of missense changes on protein structure and function are either unavailable or do not agree on the potential impact of this missense change (SIFT: "Deleterious"; PolyPhen-2: "Probably Damaging"; Align-GVGD: "Class C15"). In summary, the available evidence is currently insufficient to determine the role of this variant in disease. Therefore, it has been classified as a Variant of Uncertain Significance.

NM_024589.3(ROGDI):c.595C>T (p.Leu199Phe)

Gene: ROGDI (rogdi atypical leucine zipper; minus strand). Cytogenetic location: 16p13.3.
Variant type: single nucleotide variant.
Coding change: c.595C>T on transcript NM_024589.3 (MANE Select); coding-DNA position 595, C replaced by T.
Protein change: p.Leu199Phe; replaces leucine 199 with phenylalanine.
Molecular consequence: missense variant. On other transcripts: non-coding transcript variant (1).
Genome position (GRCh38, 1-based): chr16:4,798,121, G>A on the plus strand (C>T on the coding strand, the complement: ROGDI is on the minus strand). VCF-style: chr16-4798121-G-A. GRCh37 (hg19) VCF-style: chr16-4848122-G-A.
Other names: short protein forms L199F.
Identifiers: ClinVar variation 2192825 (VCV002192825.1), dbSNP rs762068973, ClinGen allele CA394650248.